The following is an entry in ClinVar:

NM_000152.5(GAA):c.4G>T (p.Gly2Ter)

Gene: GAA (alpha glucosidase; plus strand). Cytogenetic location: 17q25.3.
Variant type: single nucleotide variant.
Coding change: c.4G>T on transcript NM_000152.5 (MANE Select); coding-DNA position 4, G replaced by T.
Protein change: p.Gly2Ter; replaces glycine 2 with a stop codon.
Molecular consequence: nonsense.
Genome position (GRCh38, 1-based): chr17:80,104,590, G>T. VCF-style: chr17-80104590-G-T. GRCh37 (hg19) VCF-style: chr17-78078389-G-T.
Other names: NC_000017.10:g.78078389G>T; c.4G>T, p.Gly2Ter (NM_001079803.3, NM_001079804.3); short protein forms G2*.
Identifiers: ClinVar variation 560377 (VCV000560377.8), dbSNP rs1567825175, ClinGen allele CA401359822.

ClinVar aggregate classification (germline): Likely pathogenic. Review status: reviewed by expert panel (3 of 4 stars). 3 submissions from 3 submitters: Likely pathogenic (1). 2 of the submissions do not count toward it. Last evaluated 2026-07-21.

Conditions:
Elevated circulating creatine kinase activity. Also called: Elevated serum creatine phosphokinase; Elevated circulating creatine kinase concentration; Elevated creatine kinase. Identifiers: MedGen C0241005, HP:0003236.
Glycogen storage disease, type II (IOPD). Also called: POMPE DISEASE, INFANTILE-ONSET; GLYCOGEN STORAGE DISEASE II, INFANTILE-ONSET; ACID ALPHA-GLUCOSIDASE DEFICIENCY, INFANTILE-ONSET; GAA DEFICIENCY, INFANTILE-ONSET; ACID MALTASE DEFICIENCY, INFANTILE-ONSET; Glycogen storage disease type 2. Identifiers: Orphanet 365, MedGen C0017921, MONDO:0009290, OMIM 232300.

Allele frequency attached by ClinVar (database versions not stated): gnomAD exomes below 0.00001.
gnomAD v4.1: 2 of 1,610,044 alleles (0.00012%); highest among the groups gnomAD compares: Non-Finnish European, 0.00017%; no homozygotes.

Submissions (4):

ClinGen Lysosomal Storage Disorder Variant Curation Expert Panel
Classification: Likely pathogenic for Glycogen storage disease, type II. Last evaluated: 2026-07-21. Review status: reviewed by expert panel. Criteria: clingen_lsd_acmg_specifications_v2-1. Collection method: curation. Allele origin: germline. Inheritance: Autosomal recessive inheritance.
Comment: The NM_000152.5:c.4G>T (p.Gly2Ter) variant in GAA is a nonsense variant predicted to cause a premature stop codon in biologically-relevant-exon 2/20, leading to nonsense mediated decay in a gene in which loss-of-function is an established disease mechanism (PVS1). Of note, SpliceAI predicts the possible activation of a cryptic donor splice site 2 bp upstream from the variant which, if used could result in the loss of the remainder of exon 2, including the signal sequence; there is no experimental evidence in normal tissue or minigene to confirm that impact. The highest population minor allele frequency in gnomAD v4.1.0. is 0.000001697 (2/1178586 alleles) in the European non-Finnish population, which is lower than the ClinGen Lysosomal Diseases VCEP’s threshold for PM2_Supporting (<0.001), meeting this criterion (PM2_Supporting). To our knowledge, this variant has not been reported in individuals with Pompe disease in the literature and functional studies are unavailable. There is a ClinVar entry for this variant (Variation ID: 560377). The classification of this variant has been upgraded from Variant of Uncertain Significance to Likely Pathogenic based on the recommendations of the ClinGen Sequence Variant Interpretation Working Group, that a variant meeting PVS1 and PM2_Supporting is classified as Likely Pathogenic. In summary, this variant meets the criteria to be classified as Likely Pathogenic for Pompe disease. GAA-specific ACMG/AMP criteria met, based on the specifications of the ClinGen Lysosomal Diseases VCEP (Specifications Version 2.0): PVS1, PM2_Supporting. (Classification approved by the ClinGen Lysosomal Diseases VCEP, July 21, 2026)

Fulgent Genetics
Classification: Likely pathogenic for Glycogen storage disease, type II. Last evaluated: 2021-08-04. Review status: criteria provided, single submitter. Criteria: ACMG Guidelines, 2015. Collection method: clinical testing. Allele origin: unknown. Not counted in ClinVar's aggregate classification.

Dr. Peter K. Rogan Lab, Western University
No classification provided (evidence only). Condition: Melanoma. Review status: no classification provided. Collection method: in vitro. Allele origin: not applicable. Functional consequence: retained intron. Not counted in ClinVar's aggregate classification.

Institute of Human Genetics, University of Wuerzburg
Classification: Pathogenic for Elevated circulating creatine kinase activity. Review status: no assertion criteria provided. Collection method: clinical testing. Allele origin: unknown. Not counted in ClinVar's aggregate classification.